The following is an entry in ClinVar:

ClinVar aggregate classification (germline): Pathogenic (1 of 4 stars; one submission).

Allele frequency attached by ClinVar (database versions not stated): TOPMed below 0.00001.

Submission:

Labcorp Genetics (formerly Invitae), Labcorp
Classification: Pathogenic. Last evaluated: 2022-12-03. Review status: criteria provided, single submitter. Criteria: Invitae Variant Classification Sherloc (09022015). Collection method: clinical testing. Allele origin: germline.
Comment: This variant is not present in population databases (gnomAD no frequency). This variant occurs in a non-coding region of the FECH gene. It does not change the encoded amino acid sequence of the FECH protein. This variant has been observed in individual(s) with erythropoietic protoporphyria (PMID: 15850836). In at least one individual the data is consistent with being in trans (on the opposite chromosome) from a pathogenic variant. It has also been observed to segregate with disease in related individuals. This variant is also known as -250G>C. Studies have shown that this variant alters FECH gene expression (PMID: 15850836). For these reasons, this variant has been classified as Pathogenic.

Literature cited by the submitters: PubMed 15850836.

NC_000018.10:g.57586871C>G

Genes: FECH (ferrochelatase; minus strand), LOC130062560 (ATAC-STARR-seq lymphoblastoid silent region 9481; plus strand). Cytogenetic location: 18q21.31.
Variant type: single nucleotide variant.
Genome position: GRCh38 VCF-style: chr18-57586871-C-G. GRCh37 (hg19) VCF-style: chr18-55254103-C-G.
Identifiers: ClinVar variation 1402419 (VCV001402419.6), dbSNP rs2051389040, ClinGen allele CA2306061410.